The following is an entry in ClinVar:

NM_001024845.3(SLC6A9):c.516C>T (p.Ala172=)

Gene: SLC6A9 (solute carrier family 6 member 9; minus strand). Cytogenetic location: 1p34.1.
Variant type: single nucleotide variant.
Coding change: c.516C>T on transcript NM_001024845.3 (MANE Select); coding-DNA position 516, C replaced by T.
Protein change: p.Ala172=; no amino-acid change (alanine 172 retained).
Molecular consequence: synonymous variant. On other transcripts: non-coding transcript variant (1).
Genome position (GRCh38, 1-based): chr1:44,008,427, G>A on the plus strand (C>T on the coding strand, the complement: SLC6A9 is on the minus strand). VCF-style: chr1-44008427-G-A. GRCh37 (hg19) VCF-style: chr1-44474099-G-A.
Other names: c.528C>T, p.Ala176= (NM_001261380.2); c.183C>T, p.Ala61= (NM_001328626.2, NM_001328630.2); c.453C>T, p.Ala151= (NM_001328627.1); c.321C>T, p.Ala107= (NM_001328628.1); c.516C>T, p.Ala172= (NM_001328629.1); c.573C>T, p.Ala191= (NM_006934.4); c.735C>T, p.Ala245= (NM_201649.4).
Identifiers: ClinVar variation 3031017 (VCV003031017.4), dbSNP rs149578481, ClinGen allele CA817779.
Genomic context (GRCh38, chr1:44,008,427, plus strand): 5'-GCTGGGGCTGGTCCTCTGGAGGCTGTGGTTGAGCAGGTGGGAGAGGTTGCTGGGCAAGGC[G>A]GCTGGCCGAGAGCCATTGGTGAGGTTGGAGGCGTCCAGTACACCGGCGCAGTCATGCGTG-3'
Protein context (NP_001020016.1, residues 162-182): ASNLTNGSRP[Ala172=]ALPSNLSHLL

ClinVar aggregate classification (germline): Likely benign. Review status: criteria provided, single submitter (1 of 4 stars). 2 submissions from 2 submitters: Likely benign (1). 1 of the submissions does not count toward it. Last evaluated 2024-10-20.

Conditions:
SLC6A9-related disorder. Also called: SLC6A9-related condition.
Atypical glycine encephalopathy. Also called: Glycine encephalopathy with normal serum glycine. Identifiers: Orphanet 289863, MedGen C4310943, MONDO:0015010, OMIM 617301.

Allele frequency attached by ClinVar (database versions not stated): ExAC 0.00002; gnomAD exomes 0.00003; gnomAD 0.00009; TOPMed 0.00009; ESP Exome Variant Server 0.00031.
gnomAD v4.1: 53 of 1,613,988 alleles (0.0033%); highest among the groups gnomAD compares: African/African-American, 0.025%; no homozygotes.

Submissions (2):

Labcorp Genetics (formerly Invitae), Labcorp
Classification: Likely benign for Atypical glycine encephalopathy. Last evaluated: 2024-10-20. Review status: criteria provided, single submitter. Criteria: Invitae Variant Classification Sherloc (09022015). Collection method: clinical testing. Allele origin: germline.

PreventionGenetics, part of Exact Sciences
Classification: Likely benign for SLC6A9-related condition. Last evaluated: 2022-10-08. Review status: no assertion criteria provided. Collection method: clinical testing. Allele origin: germline. Not counted in ClinVar's aggregate classification.
Comment: This variant is classified as likely benign based on ACMG/AMP sequence variant interpretation guidelines (Richards et al. 2015 PMID: 25741868, with internal and published modifications).